The following is an entry in ClinVar:

NM_016953.4(PDE11A):c.2231T>G (p.Ile744Ser)

Genes: PDE11A (phosphodiesterase 11A; minus strand), PDE11A-AS1 (PDE11A antisense RNA 1; plus strand). Cytogenetic location: 2q31.2.
Variant type: single nucleotide variant.
Coding change: c.2231T>G on transcript NM_016953.4 (MANE Select); coding-DNA position 2231, T replaced by G.
Protein change: p.Ile744Ser; replaces isoleucine 744 with serine.
Molecular consequence: missense variant. On other transcripts: non-coding transcript variant (1).
Genome position (GRCh38, 1-based): chr2:177,701,134, A>C on the plus strand (T>G on the coding strand, the complement: PDE11A is on the minus strand). VCF-style: chr2-177701134-A-C. GRCh37 (hg19) VCF-style: chr2-178565862-A-C.
Other names: c.1157T>G, p.Ile386Ser (NM_001077358.2); c.899T>G, p.Ile300Ser (NM_001077196.2); c.1481T>G, p.Ile494Ser (NM_001077197.2); short protein forms I300S, I386S, I494S, I744S.
Identifiers: ClinVar variation 1339695 (VCV001339695.1), dbSNP rs776319665, ClinGen allele CA1981651.
Genomic context (GRCh38, chr2:177,701,134, plus strand): 5'-TTGTTTTGGTTTCTGTTAAGGGGAGAAGCAGAACATCAGGCCTGTACCTCACTTTGAAGG[A>C]TCATCACGGCGTGGTTGAAATGGTGATGCTCCAAGGTAGCAGAGGTTCCATAGAGTTGGG-3'
Protein context (NP_058649.3, residues 734-754): EHHHFNHAVM[Ile744Ser]LQSEGHNIFA

ClinVar aggregate classification (germline): Uncertain significance (1 of 4 stars; one submission).

Allele frequency attached by ClinVar (database versions not stated): TOPMed below 0.00001; ExAC 0.00001; gnomAD 0.00001.
gnomAD v4.1: 2 of 1,593,372 alleles (0.00013%); highest among the groups gnomAD compares: Admixed American, 0.0033%; no homozygotes.

Submission:

Women's Health and Genetics/Laboratory Corporation of America, LabCorp
Classification: Uncertain significance. Last evaluated: 2022-01-13. Review status: criteria provided, single submitter. Criteria: LabCorp Variant Classification Summary - May 2015. Collection method: clinical testing. Allele origin: germline.
Comment: Variant summary: PDE11A c.2231T>G (p.Ile744Ser) results in a non-conservative amino acid change located in the 3'5'-cyclic nucleotide phosphodiesterase, catalytic domain (IPR002073) of the encoded protein sequence. Five of five in-silico tools predict a damaging effect of the variant on protein function. The variant allele was found at a frequency of 4e-06 in 250952 control chromosomes (gnomAD). The available data on variant occurrences in the general population are insufficient to allow any conclusion about variant significance. To our knowledge, no occurrence of c.2231T>G in individuals affected with Pigmented Nodular Adrenocortical Disease, Primary, 2 and no experimental evidence demonstrating its impact on protein function have been reported. No clinical diagnostic laboratories have submitted clinical-significance assessments for this variant to ClinVar after 2014. Based on the evidence outlined above, the variant was classified as uncertain significance.